The following is an entry in ClinVar:

NM_001035.3(RYR2):c.7528A>G (p.Thr2510Ala)

Gene: RYR2 (ryanodine receptor 2; plus strand). Cytogenetic location: 1q43.
Variant type: single nucleotide variant.
Coding change: c.7528A>G on transcript NM_001035.3 (MANE Select); coding-DNA position 7528, A replaced by G.
Protein change: p.Thr2510Ala; replaces threonine 2510 with alanine.
Molecular consequence: missense variant.
Genome position (GRCh38, 1-based): chr1:237,649,892, A>G. VCF-style: chr1-237649892-A-G. GRCh37 (hg19) VCF-style: chr1-237813192-A-G.
Other names: short protein forms T2510A.
Identifiers: ClinVar variation 875459 (VCV000875459.19), dbSNP rs777279244, ClinGen allele CA087419.

ClinVar aggregate classification (germline): Uncertain significance. Review status: criteria provided, multiple submitters, no conflicts (2 of 4 stars). 8 submissions from 7 submitters: Uncertain significance (8). Last evaluated 2025-11-03.

Conditions:
Cardiovascular phenotype. Identifiers: MedGen CN230736.
Catecholaminergic polymorphic ventricular tachycardia (CVPT). Also called: Catecholamine-induced polymorphic ventricular tachycardia. Identifiers: Orphanet 3286, MedGen C5574922, MONDO:0017990.
Arrhythmogenic right ventricular dysplasia 2. Identifiers: MedGen C1832931.
Cardiomyopathy (CMYO). Also called: Cardiomyopathies. Identifiers: Orphanet 167848, MedGen C0878544, MONDO:0004994, HP:0001638. Inheritance: Various modes of inheritance.
Catecholaminergic polymorphic ventricular tachycardia 1. Also called: RYR2-Related Catecholaminergic Polymorphic Ventricular Tachycardia; VENTRICULAR TACHYCARDIA, CATECHOLAMINERGIC POLYMORPHIC, 1, WITH OR WITHOUT ATRIAL DYSFUNCTION AND/OR DILATED CARDIOMYOPATHY; VENTRICULAR TACHYCARDIA, STRESS-INDUCED POLYMORPHIC 1. Identifiers: Orphanet 3286, MedGen C1631597, MONDO:0011484, OMIM 604772.

Allele frequency attached by ClinVar (database versions not stated): gnomAD 0.00001; gnomAD exomes 0.00001 and 0.00005; TOPMed 0.00001; ExAC 0.00002.
gnomAD v4.1: 67 of 1,613,760 alleles (0.0042%); highest among the groups gnomAD compares: Non-Finnish European, 0.0056%; no homozygotes.

Submissions (8):

Labcorp Genetics (formerly Invitae), Labcorp
Classification: Uncertain significance for Catecholaminergic polymorphic ventricular tachycardia 1. Last evaluated: 2025-11-03. Review status: criteria provided, single submitter. Criteria: Invitae Variant Classification Sherloc (09022015). Collection method: clinical testing. Allele origin: germline.
Comment: This sequence change replaces threonine, which is neutral and polar, with alanine, which is neutral and non-polar, at codon 2510 of the RYR2 protein (p.Thr2510Ala). This variant is present in population databases (rs777279244, gnomAD 0.003%). This missense change has been observed in individual(s) with clinical features of RYR2-related conditions (PMID: 19926015, 25844899, 29544605, 32152366). ClinVar contains an entry for this variant (Variation ID: 875459). Invitae Evidence Modeling of protein sequence and biophysical properties (such as structural, functional, and spatial information, amino acid conservation, physicochemical variation, residue mobility, and thermodynamic stability) indicates that this missense variant is expected to disrupt RYR2 protein function with a positive predictive value of 95%. In summary, the available evidence is currently insufficient to determine the role of this variant in disease. Therefore, it has been classified as a Variant of Uncertain Significance.

Color Diagnostics, LLC DBA Color Health
Classification: Uncertain significance for Cardiomyopathy. Last evaluated: 2025-06-03. Review status: criteria provided, single submitter. Criteria: ACMG Guidelines, 2015. Collection method: clinical testing. Allele origin: germline.
Comment: This missense variant replaces threonine with alanine at codon 2510 of the RYR2 protein. Computational prediction suggests that this variant may have deleterious impact on protein structure and function. To our knowledge, functional studies have not been reported for this variant. This variant has been reported in an individual affected with catecholaminergic polymorphic ventricular tachycardia (PMID: 25844899) and in two individuals affected with sudden unexplained death (PMID: 22677073, 29544605). This variant has been identified in 3/249098 chromosomes in the general population by the Genome Aggregation Database (gnomAD). The available evidence is insufficient to determine the role of this variant in disease conclusively. Therefore, this variant is classified as a Variant of Uncertain Significance.

GeneDx
Classification: Uncertain significance. Last evaluated: 2024-05-13. Review status: criteria provided, single submitter. Criteria: GeneDx Variant Classification Process June 2021. Collection method: clinical testing. Allele origin: germline. Affected: yes.
Comment: Reported in individuals with sudden unexplained death or CPVT in published literature (PMID: 25844899, 22677073, 29544605); Not observed at significant frequency in large population cohorts (gnomAD); Located in one of the three hot-spot regions of the RYR2 gene, where the majority of pathogenic missense variants occur (PMID: 19926015); In silico analysis supports that this missense variant has a deleterious effect on protein structure/function; This variant is associated with the following publications: (PMID: 24025405, 19926015, 27538377, 29544605, 25844899, 22677073)

All of Us Research Program, National Institutes of Health
Classification: Uncertain significance for Catecholaminergic polymorphic ventricular tachycardia. Last evaluated: 2023-10-06. Review status: criteria provided, single submitter. Criteria: ACMG Guidelines, 2015. Collection method: clinical testing. Allele origin: germline. Inheritance: Autosomal dominant inheritance. Observed: 7 variant alleles, 7 heterozygotes.
Comment: This missense variant replaces threonine with alanine at codon 2510 of the RYR2 protein. Computational prediction suggests that this variant may have deleterious impact on protein structure and function (internally defined REVEL score threshold >= 0.7, PMID: 27666373). To our knowledge, functional studies have not been reported for this variant. This variant has been reported in an individual affected with catecholaminergic polymorphic ventricular tachycardia (PMID: 25844899) and in two individuals affected with sudden unexplained death (PMID: 22677073, 29544605). This variant has been identified in 3/249098 chromosomes in the general population by the Genome Aggregation Database (gnomAD). The available evidence is insufficient to determine the role of this variant in disease conclusively. Therefore, this variant is classified as a Variant of Uncertain Significance.

This study involves interpretation of variants in research participants for the purpose of population health screening. Participant phenotype was not available at the time of variant classification. Additional details can be found in publication PMID: 35346344, PMCID: PMC8962531

Ambry Genetics
Classification: Uncertain significance for Cardiovascular phenotype. Last evaluated: 2022-11-23. Review status: criteria provided, single submitter. Criteria: Ambry Variant Classification Scheme 2023. Collection method: clinical testing. Allele origin: germline.
Comment: The p.T2510A variant (also known as c.7528A>G), located in coding exon 50 of the RYR2 gene, results from an A to G substitution at nucleotide position 7528. The threonine at codon 2510 is replaced by alanine, an amino acid with similar properties. This variant was detected in a sudden death victim, and reportedly detected in an arrhythmia cohort, however, clinical detail was limited (Medeiros-Domingo A et al. J. Am. Coll. Cardiol., 2009 Nov;54:2065-74; Tester DJ et al. Mayo Clin. Proc., 2012 Jun;87:524-39). This amino acid position is highly conserved in available vertebrate species. In addition, this alteration is predicted to be deleterious by in silico analysis. Since supporting evidence is limited at this time, the clinical significance of this alteration remains unclear.

CHEO Genetics Diagnostic Laboratory, Children's Hospital of Eastern Ontario
Classification: Uncertain significance for Cardiomyopathy. Last evaluated: 2018-03-26. Review status: criteria provided, single submitter. Criteria: ACMG Guidelines, 2015. Collection method: clinical testing. Allele origin: germline.

Illumina Laboratory Services, Illumina
Classification: Uncertain significance for Catecholaminergic polymorphic ventricular tachycardia 1. Last evaluated: 2017-04-27. Review status: criteria provided, single submitter. Criteria: ICSL Variant Classification Criteria 13 December 2019. Collection method: clinical testing. Allele origin: germline.

Illumina Laboratory Services, Illumina
Classification: Uncertain significance for Catecholaminergic polymorphic ventricular tachycardia 1. Last evaluated: 2017-04-27. Review status: criteria provided, single submitter. Criteria: ICSL Variant Classification Criteria 13 December 2019. Collection method: clinical testing. Allele origin: germline.

Literature cited by the submitters: PubMed 19926015 (cited by Labcorp Genetics (formerly Invitae), Labcorp and Ambry Genetics); PubMed 25844899 (cited by 3 submitters); PubMed 29544605 (cited by 3 submitters); PubMed 32152366 (cited by Labcorp Genetics (formerly Invitae), Labcorp); PubMed 22677073 (cited by 3 submitters); PubMed 24025405 (cited by Ambry Genetics); PubMed 27538377 (cited by Ambry Genetics).